The following is an entry in ClinVar:

NM_001009944.3(PKD1):c.755_771dup (p.Thr258fs)

Gene: PKD1 (polycystin 1, transient receptor potential channel interacting; minus strand). Cytogenetic location: 16p13.3.
Variant type: Duplication.
Coding change: c.755_771dup on transcript NM_001009944.3 (MANE Select); coding-DNA positions 755 to 771, 17 bases duplicated (CGCCACCTCCTGCCCCC).
Protein change: p.Thr258fs; shifts the reading frame from threonine 258.
Molecular consequence: frameshift variant.
Genome position (GRCh38, 1-based): chr16:2,118,221-2,118,237, GGGGGCAGGAGGTGGCG duplicated on the plus strand (CGCCACCTCCTGCCCCC on the coding strand, the reverse complement: PKD1 is on the minus strand); duplicating any 17 consecutive bases within chr16:2,118,221-2,118,243 gives the same sequence; the c. name uses the placement nearest the transcript's 3' end. VCF-style (leftmost placement, unchanged base first): chr16-2118220-T-TGGGGGCAGGAGGTGGCG. GRCh37 (hg19) VCF-style: chr16-2168221-T-TGGGGGCAGGAGGTGGCG.
Other names: c.755_771dup17 (NM_001009944.3); c.755_771dup, p.Thr258fs (NM_000296.4); short protein forms T258fs.
Identifiers: ClinVar variation 4687414 (VCV004687414.1).
Genomic context (GRCh38, chr16:2,118,220, plus strand): 5'-CCAGGGTGGCCCCTGGGGAGGCAGGGAAGACGTGCTGGAGGAGGGTGGGGCCCCTACAGG[T>TGGGGGCAGGAGGTGGCG]GGGGGCAGGAGGTGGCGGGGGGCCGGAGCAGAGGGACAGGCAGGCAAAGGAGGCACTGGA-3'

ClinVar aggregate classification (germline): Pathogenic (1 of 4 stars; one submission).

Conditions:
Polycystic kidney disease, adult type (PKD1). Also called: Polycystic Kidney, Autosomal Dominant; Polycystic Kidney Disease 1, Autosomal Dominant; Polycystic kidney disease 1; Polycystic kidney disease 1, severe; POLYCYSTIC KIDNEY DISEASE, ADULT, TYPE I; POLYCYSTIC KIDNEY DISEASE 1 WITH OR WITHOUT POLYCYSTIC LIVER DISEASE. Identifiers: MedGen C3149841, MONDO:0008263, OMIM 173900.

Submission:

Women's Health and Genetics/Laboratory Corporation of America, LabCorp
Classification: Pathogenic for Polycystic kidney disease, adult type. Last evaluated: 2025-10-09. Review status: criteria provided, single submitter. Criteria: LabCorp Variant Classification Summary - May 2015. Collection method: clinical testing. Allele origin: germline.
Comment: Variant summary: PKD1 c.755_771dup17 (p.Thr258ArgfsX38) results in a premature termination codon, predicted to cause a truncation of the encoded protein or absence of the protein due to nonsense mediated decay, which are commonly known mechanisms for disease. The variant was absent in 138858 control chromosomes. To our knowledge, no occurrence of c.755_771dup17 in individuals affected with PKD1-related conditions and no experimental evidence demonstrating its impact on protein function have been reported. No submitters have cited clinical-significance assessments for this variant to ClinVar. Based on the evidence outlined above, the variant was classified as pathogenic.